The following is an entry in ClinVar:

ClinVar aggregate classification (germline): Uncertain significance (1 of 4 stars; one submission).

Conditions:
Inborn genetic diseases. Identifiers: MedGen C0950123, MeSH D030342.

Submission:

Ambry Genetics
Classification: Uncertain significance for Inborn genetic diseases. Last evaluated: 2022-01-30. Review status: criteria provided, single submitter. Criteria: Ambry Variant Classification Scheme 2023. Collection method: clinical testing. Allele origin: germline.
Comment: The p.A799V variant (also known as c.2396C>T), located in coding exon 19 of the LRRK2 gene, results from a C to T substitution at nucleotide position 2396. The alanine at codon 799 is replaced by valine, an amino acid with similar properties. This amino acid position is conserved. In addition, the in silico prediction for this alteration is inconclusive. Since supporting evidence is limited at this time, the clinical significance of this alteration remains unclear.

NM_198578.4(LRRK2):c.2396C>T (p.Ala799Val)

Gene: LRRK2 (leucine rich repeat kinase 2; plus strand). Cytogenetic location: 12q12.
Variant type: single nucleotide variant.
Coding change: c.2396C>T on transcript NM_198578.4 (MANE Select); coding-DNA position 2396, C replaced by T.
Protein change: p.Ala799Val; replaces alanine 799 with valine.
Molecular consequence: missense variant.
Genome position (GRCh38, 1-based): chr12:40,284,029, C>T. VCF-style: chr12-40284029-C-T. GRCh37 (hg19) VCF-style: chr12-40677831-C-T.
Other names: short protein forms A799V.
Identifiers: ClinVar variation 1790621 (VCV001790621.2), dbSNP rs2499664903, ClinGen allele CA384406914.
Genomic context (GRCh38, chr12:40,284,029, plus strand): 5'-TTGGGAAAGGTGACAGCCAGATCATCAGCTTGCTCTTAAGGAGGCTGGCCCTGGATGTGG[C>T]CAACAATAGCATTTGCCTTGGAGGATTTTGTATAGGAAAAGTTGAACCTTCTTGGCTTGG-3'
Protein context (NP_940980.4, residues 789-809): LLLRRLALDV[Ala799Val]NNSICLGGFC